The following is an entry in ClinVar:

ClinVar aggregate classification (germline): Conflicting classifications of pathogenicity. Review status: criteria provided, conflicting classifications (1 of 4 stars). 2 submissions from 2 submitters: Uncertain significance (1); Likely benign (1). Last evaluated 2026-01-01.

Allele frequency attached by ClinVar (database versions not stated): gnomAD exomes 0.00001; TOPMed 0.00002; gnomAD 0.00003.
gnomAD v4.1: 10 of 1,204,470 alleles (0.00083%); highest among the groups gnomAD compares: African/African-American, 0.0053%; no homozygotes.

Submissions (2):

CeGaT Center for Human Genetics Tuebingen
Classification: Likely benign. Last evaluated: 2026-01-01. Review status: criteria provided, single submitter. Criteria: CeGaT Center For Human Genetics Tuebingen Variant Classification Criteria Version 2. Collection method: clinical testing. Allele origin: germline. Affected: yes. Observed: 1 variant allele.
Comment: SLC9A7: BS2

Ambry Genetics
Classification: Uncertain significance. Last evaluated: 2021-09-17. Review status: criteria provided, single submitter. Criteria: Ambry Variant Classification Scheme 2023. Collection method: clinical testing. Allele origin: germline.

NM_001257291.2(SLC9A7):c.1138G>A (p.Gly380Arg)

Gene: SLC9A7 (solute carrier family 9 member A7; minus strand). Cytogenetic location: Xp11.3.
Variant type: single nucleotide variant.
Coding change: c.1138G>A on transcript NM_001257291.2 (MANE Select); coding-DNA position 1138, G replaced by A.
Protein change: p.Gly380Arg; replaces glycine 380 with arginine.
Molecular consequence: missense variant.
Genome position (GRCh38, 1-based): chrX:46,653,618, C>T on the plus strand (G>A on the coding strand, the complement: SLC9A7 is on the minus strand). VCF-style: chrX-46653618-C-T. GRCh37 (hg19) VCF-style: chrX-46513053-C-T.
Other names: c.1135G>A, p.Gly379Arg (NM_032591.3); short protein forms G380R, G379R.
Identifiers: ClinVar variation 3165722 (VCV003165722.5), dbSNP rs1465444079, ClinGen allele CA413035887.